The following is an entry in ClinVar:

ClinVar aggregate classification (germline): Benign/Likely benign. Review status: criteria provided, multiple submitters, no conflicts (2 of 4 stars). 9 submissions from 9 submitters: Benign (2); Likely benign (6). 1 of the submissions does not count toward it. Last evaluated 2026-01-02.

Conditions:
TSC2-related disorder. Also called: TSC2-related condition; TSC2-Related Disorders.
Hereditary cancer-predisposing syndrome. Also called: Hereditary Cancer Syndrome; Tumor predisposition; Neoplastic Syndromes, Hereditary; Hereditary neoplastic syndrome. Identifiers: Orphanet 140162, MedGen C0027672, MeSH D009386, MONDO:0015356.
Tuberous sclerosis syndrome (TSC). Also called: Tuberous Sclerosis Complex; Tuberous sclerosis. Identifiers: Orphanet 805, MedGen C0041341, MONDO:0001734.
Tuberous sclerosis 2 (TSC2). Identifiers: Orphanet 805, MedGen C1860707, MONDO:0013199, OMIM 613254.

Allele frequency attached by ClinVar (database versions not stated): gnomAD exomes below 0.00001 and 0.00001; ExAC 0.00001; gnomAD 0.00001; TOPMed 0.00001.

Submissions (9):

Labcorp Genetics (formerly Invitae), Labcorp
Classification: Likely benign for Tuberous sclerosis 2. Last evaluated: 2026-01-02. Review status: criteria provided, single submitter. Criteria: Invitae Variant Classification Sherloc (09022015). Collection method: clinical testing. Allele origin: germline.

Myriad Genetics, Inc.
Classification: Benign for Tuberous sclerosis 2. Last evaluated: 2025-05-15. Review status: criteria provided, single submitter. Criteria: Myriad Autosomal Dominant, Autosomal Recessive and X-Linked Classification Criteria (2023). Collection method: clinical testing. Allele origin: unknown.
Comment: This variant is considered benign. This variant is a silent/synonymous amino acid change and it is not expected to impact splicing.

PreventionGenetics, part of Exact Sciences
Classification: Likely benign for TSC2-related condition. Last evaluated: 2025-05-05. Review status: criteria provided, single submitter. Criteria: ACMG Guidelines, 2015. Collection method: clinical testing. Allele origin: germline.
Comment: This variant is classified as likely benign based on ACMG/AMP sequence variant interpretation guidelines (Richards et al. 2015 PMID: 25741868, with internal and published modifications).

All of Us Research Program, National Institutes of Health
Classification: Likely benign for Tuberous sclerosis syndrome. Last evaluated: 2023-12-01. Review status: criteria provided, single submitter. Criteria: ACMG Guidelines, 2015. Collection method: clinical testing. Allele origin: germline. Inheritance: Autosomal dominant inheritance. Observed: 2 variant alleles, 2 heterozygotes.
Comment: This study involves interpretation of variants in research participants for the purpose of population health screening. Participant phenotype was not available at the time of variant classification. Additional details can be found in publication PMID: 35346344, PMCID: PMC8962531

CeGaT Center for Human Genetics Tuebingen
Classification: Likely benign. Last evaluated: 2022-08-01. Review status: criteria provided, single submitter. Criteria: CeGaT Center For Human Genetics Tuebingen Variant Classification Criteria Version 2. Collection method: clinical testing. Allele origin: germline. Affected: yes. Observed: 1 variant allele.
Comment: TSC2: BP4, BP7

Sema4
Classification: Likely benign for Hereditary cancer-predisposing syndrome. Last evaluated: 2022-01-30. Review status: criteria provided, single submitter. Criteria: Sema4 Curation Guidelines. Collection method: curation. Allele origin: germline.

Genome-Nilou Lab
Classification: Benign for Tuberous sclerosis 2. Last evaluated: 2021-11-07. Review status: criteria provided, single submitter. Criteria: ACMG Guidelines, 2015. Collection method: clinical testing. Allele origin: germline. Affected: no.

Ambry Genetics
Classification: Likely benign for Hereditary cancer-predisposing syndrome. Last evaluated: 2017-09-21. Review status: criteria provided, single submitter. Criteria: Ambry Variant Classification Scheme 2023. Collection method: clinical testing. Allele origin: germline.

Tuberous sclerosis database (TSC2)
No classification provided. Condition: TSC. Review status: no classification provided. Criteria: Tuberous Sclerosis Database Assertion Criteria 2015. Collection method: curation. Allele origin: germline. Affected: yes. Not counted in ClinVar's aggregate classification.

NM_000548.5(TSC2):c.1794C>T (p.Tyr598=)

Gene: TSC2 (TSC complex subunit 2; plus strand). Cytogenetic location: 16p13.3.
Variant type: single nucleotide variant.
Coding change: c.1794C>T on transcript NM_000548.5 (MANE Select); coding-DNA position 1794, C replaced by T.
Protein change: p.Tyr598=; no amino-acid change (tyrosine 598 retained).
Molecular consequence: synonymous variant.
Genome position (GRCh38, 1-based): chr16:2,070,533, C>T. VCF-style: chr16-2070533-C-T. GRCh37 (hg19) VCF-style: chr16-2120534-C-T.
Other names: c.1794C>T, p.Tyr598= (NM_001077183.3, NM_001114382.3, NM_001363528.2 and 3 more transcripts); c.1683C>T, p.Tyr561= (NM_001318827.2); c.1647C>T, p.Tyr549= (NM_001318829.2); c.1194C>T, p.Tyr398= (NM_001318831.2); c.1827C>T, p.Tyr609= (NM_001318832.2); c.1794C>T (NM_000548.4).
Identifiers: ClinVar variation 49789 (VCV000049789.47), dbSNP rs45509094, ClinGen allele CA015814.